The following is an entry in ClinVar:

NM_005546.4(ITK):c.985+75G>A

Gene: ITK (IL2 inducible T cell kinase; plus strand). Cytogenetic location: 5q33.3.
Variant type: single nucleotide variant.
Coding change: c.985+75G>A on transcript NM_005546.4 (MANE Select); 75 bases into the intron after coding-DNA position 985, G replaced by A.
Molecular consequence: intron variant.
Genome position (GRCh38, 1-based): chr5:157,240,270, G>A. VCF-style: chr5-157240270-G-A. GRCh37 (hg19) VCF-style: chr5-156667280-G-A.
Identifiers: ClinVar variation 1221812 (VCV001221812.5), dbSNP rs6860090, ClinGen allele CA11986241.

ClinVar aggregate classification (germline): Benign. Review status: criteria provided, multiple submitters, no conflicts (2 of 4 stars). 2 submissions from 2 submitters: Benign (2). Last evaluated 2023-11-12.

Allele frequency attached by ClinVar (database versions not stated): gnomAD 0.23142 and 0.23593; TOPMed 0.23899; 1000 Genomes Project 30x 0.30403; 1000 Genomes Project 0.30691.
gnomAD v4.1: 253,648 of 1,356,282 alleles (19%); highest among the groups gnomAD compares: African/African-American, 40%; 28,855 homozygotes.

Submissions (2):

Unidad de Genómica Garrahan, Hospital de Pediatría Garrahan
Classification: Benign. Last evaluated: 2023-11-12. Review status: criteria provided, single submitter. Criteria: ACMG Guidelines, 2015. Collection method: clinical testing. Allele origin: germline. Affected: no. Observed: 23 variant alleles.
Comment: This variant is classified as Benign based on local population frequency. This variant was detected in 24% of patients studied by a panel of primary immunodeficiencies. Number of patients: 23. Only high quality variants are reported.

GeneDx
Classification: Benign. Last evaluated: 2018-11-12. Review status: criteria provided, single submitter. Criteria: GeneDx Variant Classification Process June 2021. Collection method: clinical testing. Allele origin: germline. Affected: yes.